The following is an entry in ClinVar:

ClinVar aggregate classification (germline): Uncertain significance. Review status: criteria provided, multiple submitters, no conflicts (2 of 4 stars). 2 submissions from 2 submitters: Uncertain significance (2). Last evaluated 2023-11-09.

Conditions:
Hereditary cancer-predisposing syndrome. Also called: Tumor predisposition; Neoplastic Syndromes, Hereditary; Hereditary Cancer Syndrome; Hereditary neoplastic syndrome. Identifiers: Orphanet 140162, MedGen C0027672, MeSH D009386, MONDO:0015356.
Ataxia-telangiectasia syndrome (AT). Also called: Ataxia-telangiectasia; LOUIS-BAR SYNDROME; Ataxia-telangiectasia, complementation group D; AT, COMPLEMENTATION GROUP C; ATAXIA-TELANGIECTASIA, COMPLEMENTATION GROUP A; ATAXIA-TELANGIECTASIA, FRESNO VARIANT. Identifiers: Orphanet 100, MedGen C0004135, MONDO:0008840, OMIM 208900.

Submissions (2):

Ambry Genetics
Classification: Uncertain significance for Hereditary cancer-predisposing syndrome. Last evaluated: 2023-11-09. Review status: criteria provided, single submitter. Criteria: Ambry Variant Classification Scheme 2023. Collection method: clinical testing. Allele origin: germline.
Comment: The p.W1933C variant (also known as c.5799G>T), located in coding exon 38 of the ATM gene, results from a G to T substitution at nucleotide position 5799. The tryptophan at codon 1933 is replaced by cysteine, an amino acid with highly dissimilar properties. This amino acid position is conserved. In addition, this alteration is predicted to be deleterious by in silico analysis. Since supporting evidence is limited at this time, the clinical significance of this alteration remains unclear.

Labcorp Genetics (formerly Invitae), Labcorp
Classification: Uncertain significance for Ataxia-telangiectasia syndrome. Last evaluated: 2023-05-08. Review status: criteria provided, single submitter. Criteria: Invitae Variant Classification Sherloc (09022015). Collection method: clinical testing. Allele origin: germline.
Comment: In summary, the available evidence is currently insufficient to determine the role of this variant in disease. Therefore, it has been classified as a Variant of Uncertain Significance. Algorithms developed to predict the effect of sequence changes on RNA splicing suggest that this variant may create or strengthen a splice site. An algorithm developed to predict the effect of missense changes on protein structure and function (PolyPhen-2) suggests that this variant is likely to be disruptive. ClinVar contains an entry for this variant (Variation ID: 1362262). This variant has not been reported in the literature in individuals affected with ATM-related conditions. This variant is not present in population databases (gnomAD no frequency). This sequence change replaces tryptophan, which is neutral and slightly polar, with cysteine, which is neutral and slightly polar, at codon 1933 of the ATM protein (p.Trp1933Cys).

NM_000051.4(ATM):c.5799G>T (p.Trp1933Cys)

Genes: ATM (ATM serine/threonine kinase; plus strand), C11orf65 (chromosome 11 open reading frame 65; minus strand). Cytogenetic location: 11q22.3.
Variant type: single nucleotide variant.
Coding change: c.5799G>T on transcript NM_000051.4 (MANE Select); coding-DNA position 5799, G replaced by T.
Protein change: p.Trp1933Cys; replaces tryptophan 1933 with cysteine.
Molecular consequence: missense variant. On other transcripts: intron variant (2).
Genome position (GRCh38, 1-based): chr11:108,310,196, G>T. VCF-style: chr11-108310196-G-T. GRCh37 (hg19) VCF-style: chr11-108180923-G-T.
Other names: c.641-1125C>A (NM_001330368.2); c.*39-1125C>A (NM_001351110.2); c.5799G>T, p.Trp1933Cys (NM_001351834.2); short protein forms W1933C.
Identifiers: ClinVar variation 1362262 (VCV001362262.7), dbSNP rs2084026241, ClinGen allele CA382548351.